The following is an entry in ClinVar:

NM_001101362.3(KBTBD13):c.949del (p.Thr317fs)

Gene: KBTBD13 (kelch repeat and BTB domain containing 13; plus strand). Cytogenetic location: 15q22.31.
Variant type: Deletion.
Coding change: c.949del on transcript NM_001101362.3 (MANE Select); coding-DNA position 949, one base deleted (A; older notation c.949delA).
Protein change: p.Thr317fs; shifts the reading frame from threonine 317.
Molecular consequence: frameshift variant.
Genome position (GRCh38, 1-based): chr15:65,077,764, A deleted. VCF-style (leftmost placement, unchanged base first): chr15-65077763-CA-C. GRCh37 (hg19) VCF-style: chr15-65370101-CA-C.
Other names: short protein forms T317fs.
Identifiers: ClinVar variation 1497822 (VCV001497822.1), dbSNP rs2140545202, ClinGen allele CA2573151046.
Genomic context (GRCh38, chr15:65,077,763, plus strand): 5'-CGGCGTGCCCTGCGCCCAGGCTTGTGGCCGTCTCTTCGTGTGCCTGTGGCGGCCGGCCGA[CA>C]CCACCGCCGTGGTGGAGTACGCAGTGCGGACCGACGCGTGGCTGCCAGTGGCCGAGCTGC-3'

ClinVar aggregate classification (germline): Uncertain significance (1 of 4 stars; one submission).

Conditions:
Nemaline myopathy 6 (NEM6). Also called: Nemaline myopathy 6, autosomal dominant. Identifiers: Orphanet 171439, MedGen C1836472, MONDO:0012237, OMIM 609273.

Submission:

Labcorp Genetics (formerly Invitae), Labcorp
Classification: Uncertain significance for Nemaline myopathy 6. Last evaluated: 2021-05-04. Review status: criteria provided, single submitter. Criteria: Invitae Variant Classification Sherloc (09022015). Collection method: clinical testing. Allele origin: germline.
Comment: This sequence change creates a premature translational stop signal (p.Thr317Profs*125) in the KBTBD13 gene. While this is not anticipated to result in nonsense mediated decay, it is expected to disrupt the last 142 amino acid(s) of the KBTBD13 protein. This variant is not present in population databases (ExAC no frequency). This variant has not been reported in the literature in individuals with KBTBD13-related conditions. Experimental studies and prediction algorithms are not available or were not evaluated, and the functional significance of this variant is currently unknown. In summary, the available evidence is currently insufficient to determine the role of this variant in disease. Therefore, it has been classified as a Variant of Uncertain Significance.